The following is an entry in ClinVar:

ClinVar aggregate classification (germline): Uncertain significance (1 of 4 stars; one submission).

Conditions:
Charcot-Marie-Tooth disease axonal type 2C (HMSN2C). Also called: CHARCOT-MARIE-TOOTH DISEASE, AXONAL, AUTOSOMAL DOMINANT, TYPE 2C; Charcot-Marie-Tooth Neuropathy Type 2C; Charcot-Marie-Tooth Disease Type 2, TRPV4-Related (CMT2C). Identifiers: Orphanet 99937, MedGen C1853710, MONDO:0011633, OMIM 606071.

Allele frequency attached by ClinVar (database versions not stated): gnomAD exomes below 0.00001.
gnomAD v4.1: 2 of 1,614,094 alleles (0.00012%); highest among the groups gnomAD compares: Non-Finnish European, 0.00017%; no homozygotes.

Submission:

Labcorp Genetics (formerly Invitae), Labcorp
Classification: Uncertain significance for Charcot-Marie-Tooth disease axonal type 2C. Last evaluated: 2023-11-22. Review status: criteria provided, single submitter. Criteria: Invitae Variant Classification Sherloc (09022015). Collection method: clinical testing. Allele origin: germline.
Comment: This sequence change replaces phenylalanine, which is neutral and non-polar, with leucine, which is neutral and non-polar, at codon 71 of the TRPV4 protein (p.Phe71Leu). This variant is not present in population databases (gnomAD no frequency). This variant has not been reported in the literature in individuals affected with TRPV4-related conditions. Advanced modeling of protein sequence and biophysical properties (such as structural, functional, and spatial information, amino acid conservation, physicochemical variation, residue mobility, and thermodynamic stability) performed at Invitae indicates that this missense variant is not expected to disrupt TRPV4 protein function with a negative predictive value of 95%. In summary, the available evidence is currently insufficient to determine the role of this variant in disease. Therefore, it has been classified as a Variant of Uncertain Significance.

NM_021625.5(TRPV4):c.213C>G (p.Phe71Leu)

Gene: TRPV4 (transient receptor potential cation channel subfamily V member 4; minus strand). Cytogenetic location: 12q24.11.
Variant type: single nucleotide variant.
Coding change: c.213C>G on transcript NM_021625.5 (MANE Select); coding-DNA position 213, C replaced by G.
Protein change: p.Phe71Leu; replaces phenylalanine 71 with leucine.
Molecular consequence: missense variant.
Genome position (GRCh38, 1-based): chr12:109,814,584, G>C on the plus strand (C>G on the coding strand, the complement: TRPV4 is on the minus strand). VCF-style: chr12-109814584-G-C. GRCh37 (hg19) VCF-style: chr12-110252389-G-C.
Other names: c.213C>G, p.Phe71Leu (NM_001177428.2, NM_001177433.2, NM_147204.3); c.111C>G, p.Phe37Leu (NM_001177431.2); short protein forms F37L, F71L.
Identifiers: ClinVar variation 2698120 (VCV002698120.3), dbSNP rs2548803350, ClinGen allele CA386660584.
Genomic context (GRCh38, chr12:109,814,584, plus strand): 5'-ATATAGGGTGGACTCCAGCAGATCGATGGGGTTGGGCACCCCCTTGCGGAAGGCGCCCTG[G>C]AACTTCATGCGCAGATTTGGTCGCCCATCGCCTGGGCCAGCAGGGCGACTGGCATCAGCC-3'
Protein context (NP_067638.3, residues 61-81): GDGRPNLRMK[Phe71Leu]QGAFRKGVPN